The following is an entry in ClinVar:

ClinVar aggregate classification (germline): Pathogenic (1 of 4 stars; one submission).

Submission:

Labcorp Genetics (formerly Invitae), Labcorp
Classification: Pathogenic. Last evaluated: 2023-12-06. Review status: criteria provided, single submitter. Criteria: Invitae Variant Classification Sherloc (09022015). Collection method: clinical testing. Allele origin: germline.
Comment: This variant is a gross deletion of the genomic region encompassing exon(s) 28 of the OPA1 gene, which includes the termination codon. This deletion extends beyond the assayed region for this gene and therefore may encompass additional genes. While this deletion is not anticipated to lead to nonsense mediated decay, it is expected to alter mRNA translation or result in a truncated protein product. A similar copy number variant has been observed in individuals with autosomal dominant OPA1-related conditions (PMID: 21457585). It has also been observed to segregate with disease in related individuals. For these reasons, this variant has been classified as Pathogenic.

Literature cited by the submitters: PubMed 21457585.

NC_000003.11:g.(?_193409832)_(193409916_?)del

Gene: OPA1 (OPA1 mitochondrial dynamin like GTPase; plus strand). Cytogenetic location: 3q29.
Variant type: Deletion.
Identifiers: ClinVar variation 1422710 (VCV001422710.5).